The following is an entry in ClinVar:

ClinVar aggregate classification (germline): Uncertain significance. Review status: criteria provided, multiple submitters, no conflicts (2 of 4 stars). 2 submissions from 2 submitters: Uncertain significance (2). Last evaluated 2023-02-14.

Conditions:
Bainbridge-Ropers syndrome. Also called: Severe feeding difficulties-failure to thrive-microcephaly due to ASXL3 deficiency syndrome. Identifiers: Orphanet 352577, MedGen C4750837, MONDO:0014205, OMIM 615485.

gnomAD v4.1: 3 of 1,613,844 alleles (0.00019%); highest among the groups gnomAD compares: African/African-American, 0.004%; no homozygotes.

Submissions (2):

GeneDx
Classification: Uncertain significance. Last evaluated: 2023-02-14. Review status: criteria provided, single submitter. Criteria: GeneDx Variant Classification Process June 2021. Collection method: clinical testing. Allele origin: germline. Affected: yes.
Comment: In silico analysis supports that this missense variant does not alter protein structure/function; Has not been previously published as pathogenic or benign to our knowledge

Revvity Omics, Revvity
Classification: Uncertain significance for Bainbridge-Ropers syndrome. Last evaluated: 2022-08-03. Review status: criteria provided, single submitter. Criteria: ACMG Guidelines, 2015. Collection method: clinical testing. Allele origin: germline.

NM_030632.3(ASXL3):c.1245G>C (p.Glu415Asp)

Gene: ASXL3 (ASXL transcriptional regulator 3; plus strand). Cytogenetic location: 18q12.1.
Variant type: single nucleotide variant.
Coding change: c.1245G>C on transcript NM_030632.3 (MANE Select); coding-DNA position 1245, G replaced by C.
Protein change: p.Glu415Asp; replaces glutamic acid 415 with aspartic acid.
Molecular consequence: missense variant.
Genome position (GRCh38, 1-based): chr18:33,738,649, G>C. VCF-style: chr18-33738649-G-C. GRCh37 (hg19) VCF-style: chr18-31318613-G-C.
Other names: short protein forms E415D.
Identifiers: ClinVar variation 2430862 (VCV002430862.3), dbSNP rs369775948, ClinGen allele CA8933732.